The following is an entry in ClinVar:

ClinVar aggregate classification (germline): Uncertain significance (1 of 4 stars; one submission).

Conditions:
Long QT syndrome (LQTS). Identifiers: MedGen C0023976, MeSH D008133, MONDO:0002442. Disease mechanism: loss of function. Inheritance: Various modes of inheritance.

Allele frequency attached by ClinVar (database versions not stated): gnomAD exomes below 0.00001; TOPMed below 0.00001.
gnomAD v4.1: 1 of 1,614,066 alleles (0.000062%); highest among the groups gnomAD compares: Non-Finnish European, 0.000085%; no homozygotes.

Submission:

Labcorp Genetics (formerly Invitae), Labcorp
Classification: Uncertain significance for Long QT syndrome. Last evaluated: 2022-04-18. Review status: criteria provided, single submitter. Criteria: Invitae Variant Classification Sherloc (09022015). Collection method: clinical testing. Allele origin: germline.
Comment: In summary, the available evidence is currently insufficient to determine the role of this variant in disease. Therefore, it has been classified as a Variant of Uncertain Significance. Algorithms developed to predict the effect of missense changes on protein structure and function output the following: SIFT: "Tolerated"; PolyPhen-2: "Benign"; Align-GVGD: "Class C0". The valine amino acid residue is found in multiple mammalian species, which suggests that this missense change does not adversely affect protein function. This variant has not been reported in the literature in individuals affected with KCNQ1-related conditions. This variant is not present in population databases (gnomAD no frequency). This sequence change replaces isoleucine, which is neutral and non-polar, with valine, which is neutral and non-polar, at codon 514 of the KCNQ1 protein (p.Ile514Val).

NM_000218.3(KCNQ1):c.1540A>G (p.Ile514Val)

Gene: KCNQ1 (potassium voltage-gated channel subfamily Q member 1; plus strand). Cytogenetic location: 11p15.5.
Variant type: single nucleotide variant.
Coding change: c.1540A>G on transcript NM_000218.3 (MANE Select); coding-DNA position 1540, A replaced by G.
Protein change: p.Ile514Val; replaces isoleucine 514 with valine.
Molecular consequence: missense variant.
Genome position (GRCh38, 1-based): chr11:2,768,869, A>G. VCF-style: chr11-2768869-A-G. GRCh37 (hg19) VCF-style: chr11-2790099-A-G.
Other names: c.1444A>G, p.Ile482Val (NM_001406836.1); c.1270A>G, p.Ile424Val (NM_001406837.1); c.1000A>G, p.Ile334Val (NM_001406838.1); c.1159A>G, p.Ile387Val (NM_181798.2); short protein forms I334V, I482V, I387V, I424V, I514V.
Identifiers: ClinVar variation 1980827 (VCV001980827.4), dbSNP rs1728359317, ClinGen allele CA379138940.
Genomic context (GRCh38, chr11:2,768,869, plus strand): 5'-GCCACTCACAATCTCCTCTCCTCTCTCCACTGCAGGCTGCGGGAACACCATCGGGCCACC[A>G]TTAAGGTCATTCGACGCATGCAGTACTTTGTGGCCAAGAAGAAATTCCAGGTAAGCCCTG-3'
Protein context (NP_000209.2, residues 504-524): SQLREHHRAT[Ile514Val]KVIRRMQYFV